The following is an entry in ClinVar:

ClinVar aggregate classification (germline): Uncertain significance (1 of 4 stars; one submission).

Submission:

GeneDx
Classification: Uncertain significance. Last evaluated: 2024-10-25. Review status: criteria provided, single submitter. Criteria: GeneDx Variant Classification Process June 2021. Collection method: clinical testing. Allele origin: germline. Affected: yes.
Comment: Not observed at significant frequency in large population cohorts (gnomAD); In silico analysis indicates that this missense variant does not alter protein structure/function; Has not been previously published as pathogenic or benign to our knowledge

NM_004187.5(KDM5C):c.2612G>A (p.Gly871Glu)

Gene: KDM5C (lysine demethylase 5C; minus strand). Cytogenetic location: Xp11.22.
Variant type: single nucleotide variant.
Coding change: c.2612G>A on transcript NM_004187.5 (MANE Select); coding-DNA position 2612, G replaced by A.
Protein change: p.Gly871Glu; replaces glycine 871 with glutamic acid.
Molecular consequence: missense variant. On other transcripts: non-coding transcript variant (3).
Genome position (GRCh38, 1-based): chrX:53,197,781, C>T on the plus strand (G>A on the coding strand, the complement: KDM5C is on the minus strand). VCF-style: chrX-53197781-C-T. GRCh37 (hg19) VCF-style: chrX-53226963-C-T.
Other names: c.2411G>A, p.Gly804Glu (NM_001146702.2); c.2609G>A, p.Gly870Glu (NM_001282622.3, NM_001353979.2, NM_001353982.2); c.2612G>A, p.Gly871Glu (NM_001353978.3, NM_001353981.2, NM_001353984.2); short protein forms G804E, G870E, G871E.
Identifiers: ClinVar variation 3893390 (VCV003893390.1).
Genomic context (GRCh38, chrX:53,197,781, plus strand): 5'-CAGGTCCCCTGGTCCCCTTGATCCCTCATCAGCACTCCAAGCGTCCTCACCTTGACATCC[C>T]CAATCTGGTGCATGGCGCAAGGCAGGTTGTTCATCTGGTCCAGAAAGGCCCGGAGCTCAG-3'
Protein context (NP_004178.2, residues 861-881): NNLPCAMHQI[Gly871Glu]DVKGVLEQVE